The following is an entry in ClinVar:

NM_000334.4(SCN4A):c.3080T>C (p.Ile1027Thr)

Genes: GH-LCR (growth hormone locus control region; plus strand), SCN4A (sodium voltage-gated channel alpha subunit 4; minus strand). Cytogenetic location: 17q23.3.
Variant type: single nucleotide variant.
Coding change: c.3080T>C on transcript NM_000334.4 (MANE Select); coding-DNA position 3080, T replaced by C.
Protein change: p.Ile1027Thr; replaces isoleucine 1027 with threonine.
Molecular consequence: missense variant.
Genome position (GRCh38, 1-based): chr17:63,948,675, A>G on the plus strand (T>C on the coding strand, the complement: SCN4A is on the minus strand). VCF-style: chr17-63948675-A-G. GRCh37 (hg19) VCF-style: chr17-62026035-A-G.
Other names: short protein forms I1027T.
Identifiers: ClinVar variation 1017972 (VCV001017972.13), dbSNP rs772835617, ClinGen allele CA8709399.

ClinVar aggregate classification (germline): Uncertain significance. Review status: criteria provided, multiple submitters, no conflicts (2 of 4 stars). 4 submissions from 4 submitters: Uncertain significance (4). Last evaluated 2026-03-03.

Conditions:
Inborn genetic diseases. Identifiers: MedGen C0950123, MeSH D030342.
Potassium-aggravated myotonia. Also called: Myotonia congenita, atypical, acetazolamide-responsive; MYOTONIA CONGENITA, ACETAZOLAMIDE-RESPONSIVE; MYOTONIA CONGENITA, ATYPICAL; SODIUM CHANNEL MUSCLE DISEASE. Identifiers: Orphanet 612, Orphanet 99734, Orphanet 99735, Orphanet 99736, MedGen C2931826, MONDO:0018959, OMIM 608390.
Congenital myasthenic syndrome 16. Identifiers: Orphanet 590, MedGen C3280112, MONDO:0013620, OMIM 614198.
Paramyotonia congenita of Von Eulenburg. Also called: Paramyotonia Congenita; PARALYSIS PERIODICA PARAMYOTONICA; Eulenburg disease; Myotonia congenita intermittens; Von Eulenburg paramyotonia congenita. Identifiers: Orphanet 684, MedGen C0221055, MONDO:0008195, OMIM 168300. Disease mechanism: loss of function.
Hypokalemic periodic paralysis, type 2 (HOKPP2). Identifiers: Orphanet 681, MedGen C2750061, MONDO:0013234, OMIM 613345.
Congenital myopathy 22A, classic (CMYO22A). Identifiers: MedGen C5830453, MONDO:0957247, OMIM 620351.
Congenital myopathy 22B, severe fetal (CMYO22B). Identifiers: MedGen C5830501, MONDO:0957265, OMIM 620369.
Hyperkalemic periodic paralysis. Also called: Familial hyperkalemic periodic paralysis; Gamstorp disease. Identifiers: Orphanet 682, MedGen C0238357, MONDO:0008224, OMIM 170500, HP:0007215.

Allele frequency attached by ClinVar (database versions not stated): gnomAD 0.00001; gnomAD exomes 0.00002 and 0.00001; TOPMed 0.00002; ExAC 0.00003.
gnomAD v4.1: 15 of 1,613,730 alleles (0.00093%); highest among the groups gnomAD compares: Non-Finnish European, 0.0011%; no homozygotes.

Submissions (4):

Women's Health and Genetics/Laboratory Corporation of America, LabCorp
Classification: Uncertain significance. Last evaluated: 2026-03-03. Review status: criteria provided, single submitter. Criteria: LabCorp Variant Classification Summary - May 2015. Collection method: clinical testing. Allele origin: germline.
Comment: Variant summary: SCN4A c.3080T>C (p.Ile1027Thr) results in a non-conservative amino acid change in the encoded protein sequence. Algorithms developed to predict the effect of missense changes on protein structure and function all suggest that this variant is likely to be disruptive. The variant allele was found at a frequency of 1.6e-05 in 250214 control chromosomes. The available data on variant occurrences in the general population are insufficient to allow any conclusion about variant significance. To our knowledge, no occurrence of c.3080T>C in individuals affected with SCN4A-related conditions and no experimental evidence demonstrating its impact on protein function have been reported. ClinVar contains an entry for this variant (Variation ID: 1017972). Based on the evidence outlined above, the variant was classified as uncertain significance.

Fulgent Genetics
Classification: Uncertain significance for Paramyotonia congenita of Von Eulenburg; Hyperkalemic periodic paralysis; Potassium-aggravated myotonia; Hypokalemic periodic paralysis, type 2; Congenital myasthenic syndrome 16; Congenital myopathy 22A, classic; Congenital myopathy 22B, severe fetal. Last evaluated: 2024-06-03. Review status: criteria provided, single submitter. Criteria: ACMG Guidelines, 2015. Collection method: clinical testing. Allele origin: germline.

Ambry Genetics
Classification: Uncertain significance for Inborn genetic diseases. Last evaluated: 2024-04-04. Review status: criteria provided, single submitter. Criteria: Ambry Variant Classification Scheme 2023. Collection method: clinical testing. Allele origin: germline.

Labcorp Genetics (formerly Invitae), Labcorp
Classification: Uncertain significance for Hyperkalemic periodic paralysis. Last evaluated: 2023-09-11. Review status: criteria provided, single submitter. Criteria: Invitae Variant Classification Sherloc (09022015). Collection method: clinical testing. Allele origin: germline.
Comment: This sequence change replaces isoleucine, which is neutral and non-polar, with threonine, which is neutral and polar, at codon 1027 of the SCN4A protein (p.Ile1027Thr). This variant is present in population databases (rs772835617, gnomAD 0.003%). ClinVar contains an entry for this variant (Variation ID: 1017972). This variant has not been reported in the literature in individuals affected with SCN4A-related conditions. Advanced modeling of protein sequence and biophysical properties (such as structural, functional, and spatial information, amino acid conservation, physicochemical variation, residue mobility, and thermodynamic stability) has been performed at Invitae for this missense variant, however the output from this modeling did not meet the statistical confidence thresholds required to predict the impact of this variant on SCN4A protein function. In summary, the available evidence is currently insufficient to determine the role of this variant in disease. Therefore, it has been classified as a Variant of Uncertain Significance.